The following is an entry in ClinVar:

ClinVar aggregate classification (germline): Conflicting classifications of pathogenicity. Review status: criteria provided, conflicting classifications (1 of 4 stars). 7 submissions from 7 submitters: Uncertain significance (6); Likely benign (1). Last evaluated 2026-01-12.

Conditions:
Inborn genetic diseases. Identifiers: MedGen C0950123, MeSH D030342.
Charcot-Marie-Tooth disease. Also called: Charcot-Marie-Tooth Neuropathy; Charcot-Marie-Tooth Hereditary Neuropathy. Identifiers: Orphanet 166, MedGen C0007959, MONDO:0015626.
Charcot-Marie-Tooth disease type 4. Also called: Charcot-Marie-Tooth, Type 4; Charcot-Marie-Tooth disease, type IV. Identifiers: Orphanet 64749, MedGen C4082197, MONDO:0018995.

Allele frequency attached by ClinVar (database versions not stated): TOPMed 0.00008; gnomAD 0.00013; ESP Exome Variant Server 0.00015; 1000 Genomes Project 30x 0.00016; 1000 Genomes Project 0.00020.
gnomAD v4.1: 228 of 1,598,948 alleles (0.014%); highest among the groups gnomAD compares: Non-Finnish European, 0.019%; no homozygotes.

Submissions (7):

Labcorp Genetics (formerly Invitae), Labcorp
Classification: Likely benign for Charcot-Marie-Tooth disease type 4. Last evaluated: 2026-01-12. Review status: criteria provided, single submitter. Criteria: Invitae Variant Classification Sherloc (09022015). Collection method: clinical testing. Allele origin: germline.

Ambry Genetics
Classification: Uncertain significance for Inborn genetic diseases. Last evaluated: 2025-08-20. Review status: criteria provided, single submitter. Criteria: Ambry Variant Classification Scheme 2023. Collection method: clinical testing. Allele origin: germline.

Blueprint Genetics
Classification: Uncertain significance. Last evaluated: 2024-09-23. Review status: criteria provided, single submitter. Criteria: ACMG Guidelines, 2015. Collection method: clinical testing. Allele origin: germline.

GeneDx
Classification: Uncertain significance. Last evaluated: 2024-08-22. Review status: criteria provided, single submitter. Criteria: GeneDx Variant Classification Process June 2021. Collection method: clinical testing. Allele origin: germline.
Comment: In silico analysis indicates that this missense variant does not alter protein structure/function; Has not been previously published as pathogenic or benign to our knowledge

Athena Diagnostics
Classification: Uncertain significance. Last evaluated: 2022-11-01. Review status: criteria provided, single submitter. Criteria: Athena Diagnostics Criteria. Collection method: clinical testing. Allele origin: unknown.
Comment: Available data are insufficient to determine the clinical significance of the variant at this time. The frequency of this variant in the general population is uninformative in assessment of its pathogenicity. Computational tools disagree on the variant's effect on normal protein function.

Eurofins Ntd Llc (ga)
Classification: Uncertain significance. Last evaluated: 2015-12-01. Review status: criteria provided, single submitter. Criteria: EGL Classification Definitions 2015. Collection method: clinical testing. Allele origin: germline. Observed: 2 variant alleles, 2 heterozygotes.

Molecular Genetics Laboratory, London Health Sciences Centre
Classification: Uncertain significance for Charcot-Marie-Tooth disease. Review status: criteria provided, single submitter. Criteria: ACMG Guidelines, 2015. Collection method: clinical testing. Allele origin: germline. Affected: yes.

NM_024577.4(SH3TC2):c.31C>T (p.Arg11Trp)

Gene: SH3TC2 (SH3 domain and tetratricopeptide repeats 2; minus strand). Cytogenetic location: 5q32.
Variant type: single nucleotide variant.
Coding change: c.31C>T on transcript NM_024577.4 (MANE Select); coding-DNA position 31, C replaced by T.
Protein change: p.Arg11Trp; replaces arginine 11 with tryptophan.
Molecular consequence: missense variant.
Genome position (GRCh38, 1-based): chr5:149,062,992, G>A on the plus strand (C>T on the coding strand, the complement: SH3TC2 is on the minus strand). VCF-style: chr5-149062992-G-A. GRCh37 (hg19) VCF-style: chr5-148442555-G-A.
Other names: short protein forms R11W.
Identifiers: ClinVar variation 188129 (VCV000188129.27), dbSNP rs149762843, ClinGen allele CA334114.